The following is an entry in ClinVar:

ClinVar aggregate classification (germline): Uncertain significance. Review status: criteria provided, multiple submitters, no conflicts (2 of 4 stars). 2 submissions from 2 submitters: Uncertain significance (2). Last evaluated 2025-07-01.

Conditions:
Inborn genetic diseases. Identifiers: MedGen C0950123, MeSH D030342.
NIPBL-related disorder. Also called: NIPBL-related condition.

Allele frequency attached by ClinVar (database versions not stated): ESP Exome Variant Server 0.00008; gnomAD exomes below 0.00001; ExAC 0.00001; gnomAD 0.00001; TOPMed 0.00001.
gnomAD v4.1: 7 of 1,614,014 alleles (0.00043%); highest among the groups gnomAD compares: Non-Finnish European, 0.00042%; 1 homozygote.

Submissions (2):

Ambry Genetics
Classification: Uncertain significance for Inborn genetic diseases. Last evaluated: 2025-07-01. Review status: criteria provided, single submitter. Criteria: Ambry Variant Classification Scheme 2023. Collection method: clinical testing. Allele origin: germline.

PreventionGenetics, part of Exact Sciences
Classification: Uncertain significance for NIPBL-related condition. Last evaluated: 2023-09-29. Review status: criteria provided, single submitter. Criteria: ACMG Guidelines, 2015. Collection method: clinical testing. Allele origin: germline.
Comment: The NIPBL c.7117A>G variant is predicted to result in the amino acid substitution p.Thr2373Ala. To our knowledge, this variant has not been reported in the literature. This variant is reported in 0.0065% of alleles in individuals of European (Non-Finnish) descent in gnomAD. At this time, the clinical significance of this variant is uncertain due to the absence of conclusive functional and genetic evidence.

NM_133433.4(NIPBL):c.7117A>G (p.Thr2373Ala)

Gene: NIPBL (NIPBL cohesin loading factor; plus strand). Cytogenetic location: 5p13.2.
Variant type: single nucleotide variant.
Coding change: c.7117A>G on transcript NM_133433.4 (MANE Select); coding-DNA position 7117, A replaced by G.
Protein change: p.Thr2373Ala; replaces threonine 2373 with alanine.
Molecular consequence: missense variant.
Genome position (GRCh38, 1-based): chr5:37,052,420, A>G. VCF-style: chr5-37052420-A-G. GRCh37 (hg19) VCF-style: chr5-37052522-A-G.
Other names: c.7117A>G, p.Thr2373Ala (NM_015384.5); short protein forms T2373A.
Identifiers: ClinVar variation 2635676 (VCV002635676.2), dbSNP rs369258718, ClinGen allele CA3237141.